The following is an entry in ClinVar:

ClinVar aggregate classification (germline): Uncertain significance (0 of 4 stars; one submission).

Conditions:
MYO5B-related disorder. Also called: MYO5B-related condition.

gnomAD v4.1: 3 of 1,614,100 alleles (0.00019%); highest among the groups gnomAD compares: Non-Finnish European, 0.00025%; no homozygotes.

Submission:

PreventionGenetics, part of Exact Sciences
Classification: Uncertain significance for MYO5B-related condition. Last evaluated: 2024-09-03. Review status: no assertion criteria provided. Collection method: clinical testing. Allele origin: germline.
Comment: The MYO5B c.4771C>T variant is predicted to result in the amino acid substitution p.Arg1591Cys. To our knowledge, this variant has not been reported in the literature. This variant is reported in 0.0033% of alleles in individuals of South Asian descent in gnomAD. At this time, the clinical significance of this variant is uncertain due to the absence of conclusive functional and genetic evidence.

NM_001080467.3(MYO5B):c.4771C>T (p.Arg1591Cys)

Genes: MYO5B (myosin VB; minus strand), SNHG22 (small nucleolar RNA host gene 22; plus strand). Cytogenetic location: 18q21.1.
Variant type: single nucleotide variant.
Coding change: c.4771C>T on transcript NM_001080467.3 (MANE Select); coding-DNA position 4771, C replaced by T.
Protein change: p.Arg1591Cys; replaces arginine 1591 with cysteine.
Molecular consequence: missense variant.
Genome position (GRCh38, 1-based): chr18:49,839,225, G>A on the plus strand (C>T on the coding strand, the complement: MYO5B is on the minus strand). VCF-style: chr18-49839225-G-A. GRCh37 (hg19) VCF-style: chr18-47365595-G-A.
Other names: short protein forms R1591C.
Identifiers: ClinVar variation 3349424 (VCV003349424.1).